The following is an entry in ClinVar:

NM_018161.5(NADSYN1):c.907del (p.Val303fs)

Gene: NADSYN1 (NAD synthetase 1; plus strand). Cytogenetic location: 11q13.4.
Variant type: Deletion.
Coding change: c.907del on transcript NM_018161.5 (MANE Select); coding-DNA position 907, one base deleted (G; older notation c.907delG).
Protein change: p.Val303fs; shifts the reading frame from valine 303.
Molecular consequence: frameshift variant.
Genome position (GRCh38, 1-based): chr11:71,480,788, G deleted; the last of 2 consecutive G bases (chr11:71,480,787-71,480,788); deleting either gives the same sequence. VCF-style (leftmost placement, unchanged base first): chr11-71480786-AG-A. GRCh37 (hg19) VCF-style: chr11-71191832-AG-A.
Other names: short protein forms V303fs.
Identifiers: ClinVar variation 4880579 (VCV004880579.2).

ClinVar aggregate classification (germline): Likely pathogenic (1 of 4 stars; one submission).

Conditions:
Vertebral, cardiac, renal, and limb defects syndrome 3. Also called: CONGENITAL NAD DEFICIENCY DISORDER 3. Identifiers: MedGen C5394250, MONDO:0030077, OMIM 618845.

Submission:

Dasa
Classification: Likely pathogenic for vertebral, cardiac, renal, and limb defects syndrome 3. Last evaluated: 2025-11-20. Review status: criteria provided, single submitter. Criteria: DASA Assertion Criteria. Collection method: clinical testing. Allele origin: germline.
Comment: NM_018161.5(NADSYN1):c.907del (p.Val303Trpfs*30) is a frameshift variant in NADSYN1 predicted to alter the reading frame and introduce a premature termination codon and is predicted to result in an absent or altered protein product. Loss of function is an established disease mechanism for NADSYN1-associated disorders. Also, this variant is absent from population databases. Based on the currently available evidence, this variant is classified as likely pathogenic.